The following is an entry in ClinVar:

NM_001199397.3(NEK1):c.2886-9C>T

Gene: NEK1 (NIMA related kinase 1; minus strand). Cytogenetic location: 4q33.
Variant type: single nucleotide variant.
Coding change: c.2886-9C>T on transcript NM_001199397.3 (MANE Select); 9 bases into the intron before coding-DNA position 2886, C replaced by T.
Molecular consequence: intron variant.
Genome position (GRCh38, 1-based): chr4:169,426,243, G>A on the plus strand (C>T on the coding strand, the complement: NEK1 is on the minus strand). VCF-style: chr4-169426243-G-A. GRCh37 (hg19) VCF-style: chr4-170347394-G-A.
Other names: c.2403-9C>T (NM_001374421.1); c.2751-9C>T (NM_001374420.1); c.2595-9C>T (NM_001199399.3); c.2754-9C>T (NM_001199398.3); c.2802-9C>T (NM_001374419.1, NM_012224.4); c.2670-9C>T (NM_001199400.3); c.2886-9C>T (NM_001374418.1).
Identifiers: ClinVar variation 3351948 (VCV003351948.1).
Genomic context (GRCh38, chr4:169,426,243, plus strand): 5'-GACTCCATCTTCAGAAACTTCATTTTCCTGAATGGTGATCCTATCTGCCGACCTGCCACA[G>A]ATGGGTACACCAATTAAAAACACACACACTTAGTTTACCAGAAATAAAAGTGCTCTAAAA-3'

ClinVar aggregate classification (germline): Likely benign (0 of 4 stars; one submission).

Conditions:
NEK1-related disorder. Also called: NEK1-related condition.

gnomAD v4.1: 12 of 1,610,236 alleles (0.00075%); highest among the groups gnomAD compares: Non-Finnish European, 0.001%; no homozygotes.

Submission:

PreventionGenetics, part of Exact Sciences
Classification: Likely benign for NEK1-related condition. Last evaluated: 2024-03-26. Review status: no assertion criteria provided. Collection method: clinical testing. Allele origin: germline.
Comment: This variant is classified as likely benign based on ACMG/AMP sequence variant interpretation guidelines (Richards et al. 2015 PMID: 25741868, with internal and published modifications).